The following is an entry in ClinVar:

ClinVar aggregate classification (germline): Benign/Likely benign. Review status: criteria provided, multiple submitters, no conflicts (2 of 4 stars). 4 submissions from 4 submitters: Benign (1); Likely benign (2). 1 of the submissions does not count toward it. Last evaluated 2025-07-21.

Conditions:
ODAD1-related disorder. Also called: ODAD1-related condition.
Primary ciliary dyskinesia. Also called: Ciliary dyskinesia. Identifiers: Orphanet 244, MedGen C0008780, MONDO:0016575, HP:0012265.

Allele frequency attached by ClinVar (database versions not stated): ExAC 0.00014; gnomAD exomes 0.00017; 1000 Genomes Project 30x 0.00031; 1000 Genomes Project 0.00040; gnomAD 0.00060 and 0.00066; TOPMed 0.00073.
gnomAD v4.1: 235 of 1,551,192 alleles (0.015%); highest among the groups gnomAD compares: African/African-American, 0.23%; no homozygotes.

Submissions (4):

Labcorp Genetics (formerly Invitae), Labcorp
Classification: Likely benign for Primary ciliary dyskinesia. Last evaluated: 2025-07-21. Review status: criteria provided, single submitter. Criteria: Invitae Variant Classification Sherloc (09022015). Collection method: clinical testing. Allele origin: germline.

Blueprint Genetics
Classification: Likely benign. Last evaluated: 2024-03-11. Review status: criteria provided, single submitter. Criteria: ACMG Guidelines, 2015. Collection method: clinical testing. Allele origin: germline.

Ambry Genetics
Classification: Benign for Primary ciliary dyskinesia. Last evaluated: 2021-08-23. Review status: criteria provided, single submitter. Criteria: Ambry Variant Classification Scheme 2023. Collection method: clinical testing. Allele origin: germline.

PreventionGenetics, part of Exact Sciences
Classification: Likely benign for ODAD1-related condition. Last evaluated: 2024-04-23. Review status: no assertion criteria provided. Collection method: clinical testing. Allele origin: germline. Not counted in ClinVar's aggregate classification.
Comment: This variant is classified as likely benign based on ACMG/AMP sequence variant interpretation guidelines (Richards et al. 2015 PMID: 25741868, with internal and published modifications).

NM_001364171.2(ODAD1):c.555C>T (p.Ile185=)

Gene: ODAD1 (outer dynein arm docking complex subunit 1; minus strand). Cytogenetic location: 19q13.33.
Variant type: single nucleotide variant.
Coding change: c.555C>T on transcript NM_001364171.2 (MANE Select); coding-DNA position 555, C replaced by T.
Protein change: p.Ile185=; no amino-acid change (isoleucine 185 retained).
Molecular consequence: synonymous variant.
Genome position (GRCh38, 1-based): chr19:48,311,595, G>A on the plus strand (C>T on the coding strand, the complement: ODAD1 is on the minus strand). VCF-style: chr19-48311595-G-A. GRCh37 (hg19) VCF-style: chr19-48814852-G-A.
Other names: c.444C>T, p.Ile148= (NM_144577.4).
Identifiers: ClinVar variation 413796 (VCV000413796.16), dbSNP rs114554656, ClinGen allele CA9549030.